The following is an entry in ClinVar:

ClinVar aggregate classification (germline): Uncertain significance (1 of 4 stars; one submission).

Submission:

Labcorp Genetics (formerly Invitae), Labcorp
Classification: Uncertain significance. Last evaluated: 2026-01-02. Review status: criteria provided, single submitter. Criteria: Invitae Variant Classification Sherloc (09022015). Collection method: clinical testing. Allele origin: germline.
Comment: This sequence change replaces glutamic acid, which is acidic and polar, with lysine, which is basic and polar, at codon 281 of the STAT4 protein (p.Glu281Lys). This variant is not present in population databases (gnomAD no frequency). This variant has not been reported in the literature in individuals affected with STAT4-related conditions. Invitae Evidence Modeling of protein sequence and biophysical properties (such as structural, functional, and spatial information, amino acid conservation, physicochemical variation, residue mobility, and thermodynamic stability) indicates that this missense variant is expected to disrupt STAT4 protein function with a positive predictive value of 80%. In summary, the available evidence is currently insufficient to determine the role of this variant in disease. Therefore, it has been classified as a Variant of Uncertain Significance.

NM_003151.4(STAT4):c.841G>A (p.Glu281Lys)

Gene: STAT4 (signal transducer and activator of transcription 4; minus strand). Cytogenetic location: 2q32.2.
Variant type: single nucleotide variant.
Coding change: c.841G>A on transcript NM_003151.4 (MANE Select); coding-DNA position 841, G replaced by A.
Protein change: p.Glu281Lys; replaces glutamic acid 281 with lysine.
Molecular consequence: missense variant.
Genome position (GRCh38, 1-based): chr2:191,062,862, C>T on the plus strand (G>A on the coding strand, the complement: STAT4 is on the minus strand). VCF-style: chr2-191062862-C-T. GRCh37 (hg19) VCF-style: chr2-191927588-C-T.
Other names: c.841G>A, p.Glu281Lys (NM_001243835.2); short protein forms E281K.
Identifiers: ClinVar variation 4759559 (VCV004759559.1).